The following is an entry in ClinVar:

ClinVar aggregate classification (germline): Uncertain significance (1 of 4 stars; one submission).

Conditions:
Marfan syndrome (MFS). Also called: FBN1-Related Marfan Syndrome; MARFAN SYNDROME, TYPE I; Marfan syndrome type 1; Marfan's syndrome; Marfan syndrome, classic. Identifiers: Orphanet 284963, Orphanet 558, MedGen C0024796, MONDO:0007947, OMIM 154700.
Familial thoracic aortic aneurysm and aortic dissection (TAAD). Also called: Thoracic aortic aneurysms and dissections. Identifiers: Orphanet 91387, MedGen C4707243, MONDO:0019625.

Submission:

Labcorp Genetics (formerly Invitae), Labcorp
Classification: Uncertain significance for Marfan syndrome; Familial thoracic aortic aneurysm and aortic dissection. Last evaluated: 2020-07-13. Review status: criteria provided, single submitter. Criteria: Invitae Variant Classification Sherloc (09022015). Collection method: clinical testing. Allele origin: germline.
Comment: In summary, the available evidence is currently insufficient to determine the role of this variant in disease. Therefore, it has been classified as a Variant of Uncertain Significance. Nucleotide substitutions within the consensus splice site are a relatively common cause of aberrant splicing (PMID: 17576681, 9536098). Algorithms developed to predict the effect of sequence changes on RNA splicing suggest that this variant may disrupt the consensus splice site, but this prediction has not been confirmed by published transcriptional studies. This variant has not been reported in the literature in individuals with FBN1-related conditions. This variant is not present in population databases (ExAC no frequency). This sequence change falls in intron 64 of the FBN1 gene. It does not directly change the encoded amino acid sequence of the FBN1 protein, but it affects a nucleotide within the consensus splice site of the intron.

Literature cited by the submitters: PubMed 17576681; PubMed 9536098.

NM_000138.5(FBN1):c.8052-6_8052-3del

Gene: FBN1 (fibrillin 1; minus strand). Cytogenetic location: 15q21.1.
Variant type: Deletion.
Coding change: c.8052-6_8052-3del on transcript NM_000138.5 (MANE Select); 6 bases into the intron before coding-DNA position 8052 through 3 bases into the intron before coding-DNA position 8052, 4 bases deleted (CTGC; older notation c.8052-6_8052-3delCTGC).
Molecular consequence: intron variant.
Genome position (GRCh38, 1-based): chr15:48,412,746-48,412,749, GCAG deleted on the plus strand (CTGC on the coding strand, the reverse complement: FBN1 is on the minus strand). VCF-style (leftmost placement, unchanged base first): chr15-48412745-TGCAG-T. GRCh37 (hg19) VCF-style: chr15-48704942-TGCAG-T.
Identifiers: ClinVar variation 1051236 (VCV001051236.9), dbSNP rs2141211838, ClinGen allele CA2499222958.